The following is an entry in ClinVar:

NM_004618.5(TOP3A):c.482T>C (p.Ile161Thr)

Gene: TOP3A (DNA topoisomerase III alpha; minus strand). Cytogenetic location: 17p11.2.
Variant type: single nucleotide variant.
Coding change: c.482T>C on transcript NM_004618.5 (MANE Select); coding-DNA position 482, T replaced by C.
Protein change: p.Ile161Thr; replaces isoleucine 161 with threonine.
Molecular consequence: missense variant.
Genome position (GRCh38, 1-based): chr17:18,305,129, A>G on the plus strand (T>C on the coding strand, the complement: TOP3A is on the minus strand). VCF-style: chr17-18305129-A-G. GRCh37 (hg19) VCF-style: chr17-18208443-A-G.
Other names: c.197T>C, p.Ile66Thr (NM_001320759.2); short protein forms I161T, I66T.
Identifiers: ClinVar variation 2129338 (VCV002129338.4), dbSNP rs2545625647, ClinGen allele CA398639895.
Genomic context (GRCh38, chr17:18,305,129, plus strand): 5'-GAGTTCCAAAGTAGAGAAAGTCAGCAGCAGCAGCAGCACTTACCAGCCTTACACACGTGG[A>G]TAATCTCAAACCCGATGTTTTCGCCTTCTCTATCACAGTCAGTCCAGATCACCAGAGCCT-3'
Protein context (NP_004609.1, residues 151-171): REGENIGFEI[Ile161Thr]HVCKAVKPNL

ClinVar aggregate classification (germline): Uncertain significance (1 of 4 stars; one submission).

Submission:

Labcorp Genetics (formerly Invitae), Labcorp
Classification: Uncertain significance. Last evaluated: 2022-07-14. Review status: criteria provided, single submitter. Criteria: Invitae Variant Classification Sherloc (09022015). Collection method: clinical testing. Allele origin: germline.
Comment: In summary, the available evidence is currently insufficient to determine the role of this variant in disease. Therefore, it has been classified as a Variant of Uncertain Significance. Algorithms developed to predict the effect of missense changes on protein structure and function are either unavailable or do not agree on the potential impact of this missense change (SIFT: "Not Available"; PolyPhen-2: "Probably Damaging"; Align-GVGD: "Not Available"). This variant has not been reported in the literature in individuals affected with TOP3A-related conditions. This variant is not present in population databases (gnomAD no frequency). This sequence change replaces isoleucine, which is neutral and non-polar, with threonine, which is neutral and polar, at codon 161 of the TOP3A protein (p.Ile161Thr).